The following is an entry in ClinVar:

ClinVar aggregate classification (germline): Benign. Review status: criteria provided, multiple submitters, no conflicts (2 of 4 stars). 2 submissions from 2 submitters: Benign (2). Last evaluated 2018-06-19.

Allele frequency attached by ClinVar (database versions not stated): 1000 Genomes Project 0.02456; 1000 Genomes Project 30x 0.02498; gnomAD 0.03443 and 0.03607; TOPMed 0.03502.
gnomAD v4.1: 42,825 of 1,521,678 alleles (2.8%); highest among the groups gnomAD compares: African/African-American, 6.4%; 758 homozygotes.

Submissions (2):

GeneDx
Classification: Benign. Last evaluated: 2018-06-19. Review status: criteria provided, single submitter. Criteria: GeneDx Variant Classification (06012015). Collection method: clinical testing. Allele origin: germline. Affected: yes.
Comment: This variant is considered likely benign or benign based on one or more of the following criteria: it is a conservative change, it occurs at a poorly conserved position in the protein, it is predicted to be benign by multiple in silico algorithms, and/or has population frequency not consistent with disease.

Breakthrough Genomics
Classification: Benign. Review status: criteria provided, single submitter. Criteria: ACMG Guidelines, 2015. Collection method: not provided. Allele origin: germline. Inheritance: Autosomal recessive inheritance. Affected: yes.

NM_005002.5(NDUFA9):c.50-54G>C

Gene: NDUFA9 (NADH:ubiquinone oxidoreductase subunit A9; plus strand). Cytogenetic location: 12p13.32.
Variant type: single nucleotide variant.
Coding change: c.50-54G>C on transcript NM_005002.5 (MANE Select); 54 bases into the intron before coding-DNA position 50, G replaced by C.
Molecular consequence: intron variant.
Genome position (GRCh38, 1-based): chr12:4,654,238, G>C. VCF-style: chr12-4654238-G-C. GRCh37 (hg19) VCF-style: chr12-4763404-G-C.
Identifiers: ClinVar variation 671701 (VCV000671701.2), dbSNP rs61909964, ClinGen allele CA15730008.